The following is an entry in ClinVar:

NC_000023.10:g.(?_32305626)_(32503236_?)dup

Gene: DMD (dystrophin; minus strand). Cytogenetic location: Xp21.1.
Variant type: Duplication.
Identifiers: ClinVar variation 1511227 (VCV001511227.7).

ClinVar aggregate classification (germline): Likely pathogenic (1 of 4 stars; one submission).

Conditions:
Duchenne muscular dystrophy (DMD). Also called: Duchenne Muscular Dystrophy (DMD); MUSCULAR DYSTROPHY, PSEUDOHYPERTROPHIC PROGRESSIVE, DUCHENNE TYPE. Identifiers: Orphanet 98896, MedGen C0013264, MONDO:0010679, OMIM 310200.

Submission:

Labcorp Genetics (formerly Invitae), Labcorp
Classification: Likely pathogenic for Duchenne muscular dystrophy. Last evaluated: 2020-11-16. Review status: criteria provided, single submitter. Criteria: Invitae Variant Classification Sherloc (09022015). Collection method: clinical testing. Allele origin: germline.
Comment: In summary, the currently available evidence indicates that the variant is pathogenic, but additional data are needed to prove that conclusively. Therefore, this variant has been classified as Likely Pathogenic. This variant has been observed in individual(s) with Duchenne muscular dystrophy (Invitae). This variant results in a copy number gain of the genomic region encompassing exon(s) 21-43 of the DMD gene. While the exact position of this variant cannot be determined from the data, sub-genic copy number gains are generally in tandem (PMID: 25640679). This variant is predicted to be out-of-frame, and may result in an absent or disrupted protein product. Loss-of-function variants in DMD are known to be pathogenic (PMID: 16770791, 25007885).

Literature cited by the submitters: PubMed 25640679; PubMed 16770791; PubMed 25007885.